The following is an entry in ClinVar:

ClinVar aggregate classification (germline): Uncertain significance (1 of 4 stars; one submission).

Conditions:
Hereditary cancer-predisposing syndrome. Also called: Hereditary Cancer Syndrome; Neoplastic Syndromes, Hereditary; Hereditary neoplastic syndrome; Tumor predisposition. Identifiers: Orphanet 140162, MedGen C0027672, MeSH D009386, MONDO:0015356.

Submission:

Ambry Genetics
Classification: Uncertain significance for Hereditary cancer-predisposing syndrome. Last evaluated: 2024-06-25. Review status: criteria provided, single submitter. Criteria: Ambry Variant Classification Scheme 2023. Collection method: clinical testing. Allele origin: germline.
Comment: The p.L1018R variant (also known as c.3053T>G), located in coding exon 4 of the MSH6 gene, results from a T to G substitution at nucleotide position 3053. The leucine at codon 1018 is replaced by arginine, an amino acid with dissimilar properties. This amino acid position is well conserved in available vertebrate species. In addition, this alteration is predicted to be deleterious by in silico analysis. Based on the available evidence, the clinical significance of this variant remains unclear.

NM_000179.3(MSH6):c.3053T>G (p.Leu1018Arg)

Gene: MSH6 (mutS homolog 6; plus strand). Cytogenetic location: 2p16.3.
Variant type: single nucleotide variant.
Coding change: c.3053T>G on transcript NM_000179.3 (MANE Select); coding-DNA position 3053, T replaced by G.
Protein change: p.Leu1018Arg; replaces leucine 1018 with arginine.
Molecular consequence: missense variant.
Genome position (GRCh38, 1-based): chr2:47,801,036, T>G. VCF-style: chr2-47801036-T-G. GRCh37 (hg19) VCF-style: chr2-48028175-T-G.
Other names: c.2663T>G, p.Leu888Arg (NM_001281492.2); c.2147T>G, p.Leu716Arg (NM_001281493.2, NM_001281494.2); short protein forms L1018R, L888R, L716R.
Identifiers: ClinVar variation 428339 (VCV000428339.4), dbSNP rs1114167726, ClinGen allele CA346756509.